The following is an entry in ClinVar:

NM_001276345.2(TNNT2):c.451C>T (p.Arg151Trp)

Gene: TNNT2 (troponin T2, cardiac type; minus strand). Cytogenetic location: 1q32.1.
Variant type: single nucleotide variant.
Coding change: c.451C>T on transcript NM_001276345.2 (MANE Select); coding-DNA position 451, C replaced by T.
Protein change: p.Arg151Trp; replaces arginine 151 with tryptophan.
Molecular consequence: missense variant.
Genome position (GRCh38, 1-based): chr1:201,364,336, G>A on the plus strand (C>T on the coding strand, the complement: TNNT2 is on the minus strand). VCF-style: chr1-201364336-G-A. GRCh37 (hg19) VCF-style: chr1-201333464-G-A.
Other names: p.R141W:CGG>TGG; c.451C>T (NM_001276345.1); c.451C>T, p.Arg151Trp (NM_000364.4); c.421C>T, p.Arg141Trp (NM_001001430.3, NM_001001431.3, NM_001276347.2); c.406C>T, p.Arg136Trp (NM_001001432.3); c.331C>T, p.Arg111Trp (NM_001276346.2); short protein forms R141W, R151W, R111W, R136W.
Identifiers: ClinVar variation 12414 (VCV000012414.44), dbSNP rs74315379, ClinGen allele CA004526.

ClinVar aggregate classification (germline): Pathogenic/Likely pathogenic. Review status: criteria provided, multiple submitters, no conflicts (2 of 4 stars). 22 submissions from 20 submitters: Pathogenic (18); Likely pathogenic (1). 3 of the submissions do not count toward it. Last evaluated 2025-12-12.

Conditions:
TNNT2-related disorder. Also called: TNNT2-related condition.
Familial isolated dilated cardiomyopathy. Identifiers: Orphanet 154, MedGen C5679590, MONDO:0700335, MONDO:0015470.
Hypertrophic cardiomyopathy. Also called: HYPERTROPHIC MYOCARDIOPATHY. Identifiers: Orphanet 217569, MedGen C0007194, MeSH D002312, MONDO:0005045, HP:0001639.
Primary dilated cardiomyopathy (DCM). Also called: Dilated Cardiomyopathy. Identifiers: Orphanet 217604, MedGen C0007193, MeSH D002311, MONDO:0005021, HP:0001644. Inheritance: Various modes of inheritance.
Cardiovascular phenotype. Identifiers: MedGen CN230736.
Dilated cardiomyopathy 1D. Identifiers: Orphanet 154, Orphanet 54260, MedGen C1832243, MONDO:0011095, OMIM 601494.
Hypertrophic cardiomyopathy 2. Also called: TNNT2-Related Familial Hypertrophic Cardiomyopathy. Identifiers: MedGen C1861864, MONDO:0007266, OMIM 115195.
Cardiomyopathy, familial restrictive, 3. Identifiers: Orphanet 75249, MedGen C2676271, MONDO:0012900, OMIM 612422.
Cardiomyopathy (CMYO). Also called: Cardiomyopathies. Identifiers: Orphanet 167848, MedGen C0878544, MONDO:0004994, HP:0001638. Inheritance: Various modes of inheritance.

Submissions 1 to 12 of 22:

Center for Molecular Medicine, Children’s Hospital of Fudan University
Classification: Pathogenic for Dilated cardiomyopathy 1D. Last evaluated: 2025-12-12. Review status: criteria provided, single submitter. Criteria: ACMG Guidelines 2015. Collection method: clinical testing. Allele origin: unknown. Affected: yes.
Comment: PS4+PS2+PM2_Supp+PP3

Labcorp Genetics (formerly Invitae), Labcorp
Classification: Pathogenic for Cardiomyopathy, familial restrictive, 3; Hypertrophic cardiomyopathy 2; Dilated cardiomyopathy 1D. Last evaluated: 2025-10-20. Review status: criteria provided, single submitter. Criteria: Invitae Variant Classification Sherloc (09022015). Collection method: clinical testing. Allele origin: germline.
Comment: This sequence change replaces arginine, which is basic and polar, with tryptophan, which is neutral and slightly polar, at codon 141 of the TNNT2 protein (p.Arg141Trp). This variant is not present in population databases (gnomAD no frequency). This missense change has been observed in individual(s) with dilated cardiomyopathy (DCM), segregating with the disease in two multigenerational families (PMID: 11684629, 15769782, 21846512, 24992688, 26656454). In at least one individual the variant was observed to be de novo. It has also been observed to segregate with disease in related individuals. ClinVar contains an entry for this variant (Variation ID: 12414). Invitae Evidence Modeling of protein sequence and biophysical properties (such as structural, functional, and spatial information, amino acid conservation, physicochemical variation, residue mobility, and thermodynamic stability) has been performed for this missense variant. However, the output from this modeling did not meet the statistical confidence thresholds required to predict the impact of this variant on TNNT2 protein function. Experimental studies have shown that this missense change affects TNNT2 function (PMID: 14654368, 18349139, 18606313, 23539503, 24367593). For these reasons, this variant has been classified as Pathogenic.

Ambry Genetics
Classification: Likely pathogenic for Cardiovascular phenotype. Last evaluated: 2024-10-28. Review status: criteria provided, single submitter. Criteria: Ambry Variant Classification Scheme 2023. Collection method: clinical testing. Allele origin: germline.
Comment: The p.R141W variant (also known as c.421C>T), located in coding exon 9 of the TNNT2 gene, results from a C to T substitution at nucleotide position 421. The arginine at codon 141 is replaced by tryptophan, an amino acid with dissimilar properties. This variant, which is also known as p.R151W c.451C>T in another isoform, was reported in multiple individuals with features consistent with dilated cardiomyopathy (DCM), including de novo occurrences (Klaassen S et al. Circulation, 2008 Jun;117:2893-901; Walsh R et al. Genet Med, 2017 Feb;19:192-203; Long PA et al. J Am Heart Assoc, 2015 Dec;4:[ePub ahead of print]; Burstein DS et al. Pediatr Res, 2021 May;89:1470-1476; Khan RS et al. J Am Heart Assoc, 2022 Jan;11:e022854; Lesurf R et al. NPJ Genom Med, 2022 Mar;7:18). In multiple assays testing TNNT2 function, this variant showed functionally abnormal results (Mirza M et al. J Biol Chem, 2005 Aug;280:28498-506; Robinson P et al. Circ Res, 2007 Dec;101:1266-73; Liu B et al. PLoS One, 2012 Jun;7:e38259; Gollapudi SK et al. Am J Physiol Heart Circ Physiol, 2015 Apr;308:H884-93). This amino acid position is highly conserved in available vertebrate species. In addition, this alteration is predicted to be deleterious by in silico analysis. This variant is considered to be rare based on population cohorts in the Genome Aggregation Database (gnomAD). Based on the majority of available evidence to date, this variant is likely to be pathogenic.

Victorian Clinical Genetics Services, Murdoch Childrens Research Institute
Classification: Pathogenic for Dilated cardiomyopathy 1D. Last evaluated: 2024-09-23. Review status: criteria provided, single submitter. Criteria: ACMG Guidelines, 2015. Collection method: clinical testing. Allele origin: germline. Inheritance: Autosomal dominant inheritance. Affected: yes.
Comment: Based on the classification scheme VCGS_Germline_v1.3.4, this variant is classified as Pathogenic. Following criteria are met: 0105 - The mechanism of disease for this gene is not clearly established. Functional studies have suggested loss-of-function, gain-of-function and dominant-negative mechanisms based on calcium sensitivity, contractibility and mouse models (PMID: 18612386, 32098556, 33025817). (I) 0107 - This gene is associated with autosomal dominant disease. (I) 0115 - Variants in this gene are known to have variable expressivity. Some variants have been reported to cause both DCM and HCM, even within the same family (PMID: 26507537). (I) 0200 - Variant is predicted to result in a missense amino acid change from arginine to tryptophan. (I) 0251 - This variant is heterozygous. (I) 0301 - Variant is absent from gnomAD (both v2 and v3). (SP) 0309 - An alternative amino acid change at the same position has been observed in gnomAD (v2) (2 heterozygotes, 0 homozygotes). (I) 0501 - Missense variant consistently predicted to be damaging by multiple in silico tools or highly conserved with a major amino acid change. (SP) 0600 - Variant is located in the annotated troponin domain (NCBI). (I) 0801 - This variant has strong previous evidence of pathogenicity in unrelated individuals. The variant has previously been reported as pathogenic in multiple patients with TNNT2-related cardiomyopathies including many with DCM, and is often annotated as p.(R141W) using an alternative transcript. It has been reported as de novo in some individuals, and has also been observed to segregate with the disease in families (ClinVar, PMID: 26656454). (SP) 1208 - Inheritance information for this variant is not currently available in this individual. (I) Legend: (SP) - Supporting pathogenic, (I) - Information, (SB) - Supporting benign

Fulgent Genetics
Classification: Pathogenic for Hypertrophic cardiomyopathy 2; Dilated cardiomyopathy 1D; Cardiomyopathy, familial restrictive, 3. Last evaluated: 2024-02-29. Review status: criteria provided, single submitter. Criteria: ACMG Guidelines, 2015. Collection method: clinical testing. Allele origin: germline.

Blueprint Genetics
Classification: Pathogenic for TNNT2-related disorders. Last evaluated: 2023-11-30. Review status: criteria provided, single submitter. Criteria: ACMG Guidelines, 2015. Collection method: clinical testing. Allele origin: germline. Affected: yes. Observed: 5 variant alleles.

Genomic Medicine Lab, University of California San Francisco
Classification: Pathogenic for Hypertrophic cardiomyopathy 2. Last evaluated: 2023-10-30. Review status: criteria provided, single submitter. Criteria: ACMG Guidelines, 2015. Collection method: clinical testing. Allele origin: unknown. Affected: no.

CHEO Genetics Diagnostic Laboratory, Children's Hospital of Eastern Ontario
Classification: Pathogenic for Cardiomyopathy. Last evaluated: 2023-06-23. Review status: criteria provided, single submitter. Criteria: ACMG Guidelines, 2015. Collection method: clinical testing. Allele origin: germline.

Genome-Nilou Lab
Classification: Pathogenic for Dilated cardiomyopathy 1D. Last evaluated: 2023-04-11. Review status: criteria provided, single submitter. Criteria: ACMG Guidelines, 2015. Collection method: clinical testing. Allele origin: germline. Affected: no.

Genome-Nilou Lab
Classification: Pathogenic for Cardiomyopathy, familial restrictive, 3. Last evaluated: 2023-04-11. Review status: criteria provided, single submitter. Criteria: ACMG Guidelines, 2015. Collection method: clinical testing. Allele origin: germline. Affected: no.

Genome-Nilou Lab
Classification: Pathogenic for Hypertrophic cardiomyopathy 2. Last evaluated: 2023-04-11. Review status: criteria provided, single submitter. Criteria: ACMG Guidelines, 2015. Collection method: clinical testing. Allele origin: germline. Affected: no.

GeneDx
Classification: Pathogenic. Last evaluated: 2023-01-23. Review status: criteria provided, single submitter. Criteria: GeneDx Variant Classification Process June 2021. Collection method: clinical testing. Allele origin: germline. Affected: yes.
Comment: Affects cardiac muscle contractile dynamics by decreasing Ca2+ sensitivity of activation, reducing affinity of Ca2+ binding in the troponin complex, and/or increasing the rate of Ca2+ dissociation from the thin filament (Lu et al., 2003; Mirza et al., 2005; Venkatraman et al., 2005; Robinson et al., 2007; Liu et al., 2012; Sommese et al., 2013; Memo et al., 2013; Gollapudi et al., 2015); Not observed at significant frequency in large population cohorts (gnomAD); In silico analysis supports that this missense variant has a deleterious effect on protein structure/function; This variant is associated with the following publications: (PMID: 24367593, 28166811, 24992688, 25611685, 33336002, 34935411, 25681424, 23539503, 17932326, 12923187, 15623536, 11684629, 15923195, 22675533, 21846512, 15769782, 27936050, 27532257, 24503780, 21310275, 26656454, no PMID, 33025817, 34540771, 33906374, 32746448, 32758068, 34076677, 35288587, 14654368, 18606313)